The following is an entry in ClinVar:

NM_001048174.2(MUTYH):c.379-1G>C

Gene: MUTYH (mutY DNA glycosylase; minus strand). Cytogenetic location: 1p34.1.
Variant type: single nucleotide variant.
Coding change: c.379-1G>C on transcript NM_001048174.2 (MANE Select); the canonical splice acceptor site of the intron before coding-DNA position 379, G replaced by C.
Molecular consequence: splice acceptor variant. On other transcripts: intron variant (4).
Genome position (GRCh38, 1-based): chr1:45,332,960, C>G on the plus strand (G>C on the coding strand, the complement: MUTYH is on the minus strand). VCF-style: chr1-45332960-C-G. GRCh37 (hg19) VCF-style: chr1-45798632-C-G.
Other names: c.379-1G>C (NM_001407072.1, NM_001048171.2, NM_001407070.1 and 5 more transcripts); c.34-1G>C (NM_001350651.2, NM_001350650.2, NM_001407082.1); c.103-1G>C (NM_001293192.2, NM_001293196.2, NM_001407091.1); c.421-126G>C (NM_001407073.1); c.424-1G>C (NM_001293190.2); c.454-126G>C (NM_001407069.1); c.454-1G>C (NM_012222.3); c.463-1G>C (NM_001128425.2); and 7 more.
Identifiers: ClinVar variation 406853 (VCV000406853.9), dbSNP rs1057520660, ClinGen allele CA16610121.

ClinVar aggregate classification (germline): Pathogenic (1 of 4 stars; one submission).

Conditions:
Familial adenomatous polyposis 2. Also called: COLORECTAL ADENOMATOUS POLYPOSIS, AUTOSOMAL RECESSIVE; MUTYH Polyposis; MUTYH-associated polyposis; MUTYH-related attenuated familial adenomatous polyposis; Adenomas, multiple colorectal; ADENOMAS, MULTIPLE COLORECTAL, AUTOSOMAL RECESSIVE. Identifiers: Orphanet 220460, Orphanet 247798, MedGen C3272841, MONDO:0012041, OMIM 608456.

Submission:

Labcorp Genetics (formerly Invitae), Labcorp
Classification: Pathogenic for Familial adenomatous polyposis 2. Last evaluated: 2025-11-10. Review status: criteria provided, single submitter. Criteria: Invitae Variant Classification Sherloc (09022015). Collection method: clinical testing. Allele origin: germline.
Comment: This sequence change affects an acceptor splice site in intron 5 of the MUTYH gene. It is expected to disrupt RNA splicing. Variants that disrupt the donor or acceptor splice site typically lead to a loss of protein function (PMID: 16199547), and loss-of-function variants in MUTYH are known to be pathogenic (PMID: 18534194, 20663686). This variant is not present in population databases (gnomAD no frequency). Disruption of this splice site has been observed in individuals with MUTYH-associated polyposis (PMID: 16557584, 19732775; internal data). This variant is also known as c.421-1G>C. ClinVar contains an entry for this variant (Variation ID: 406853). Algorithms developed to predict the effect of sequence changes on RNA splicing suggest that this variant may disrupt the consensus splice site. For these reasons, this variant has been classified as Pathogenic.

Literature cited by the submitters: PubMed 16199547; PubMed 18534194; PubMed 20663686; PubMed 16557584; PubMed 19732775.